The following is an entry in ClinVar:

ClinVar aggregate classification (germline): Uncertain significance. Review status: criteria provided, multiple submitters, no conflicts (2 of 4 stars). 2 submissions from 2 submitters: Uncertain significance (2). Last evaluated 2021-11-30.

gnomAD v4.1: 1 of 1,577,562 alleles (0.000063%); highest among the groups gnomAD compares: African/African-American, 0.0014%; no homozygotes.

Submissions (2):

Labcorp Genetics (formerly Invitae), Labcorp
Classification: Uncertain significance. Last evaluated: 2021-11-30. Review status: criteria provided, single submitter. Criteria: Invitae Variant Classification Sherloc (09022015). Collection method: clinical testing. Allele origin: germline.
Comment: This sequence change replaces proline, which is neutral and non-polar, with histidine, which is basic and polar, at codon 474 of the COL9A2 protein (p.Pro474His). This variant is not present in population databases (gnomAD no frequency). This variant has not been reported in the literature in individuals affected with COL9A2-related conditions. ClinVar contains an entry for this variant (Variation ID: 432976). Algorithms developed to predict the effect of missense changes on protein structure and function are either unavailable or do not agree on the potential impact of this missense change (SIFT: "Tolerated"; PolyPhen-2: "Probably Damaging"; Align-GVGD: "Class C0"). In summary, the available evidence is currently insufficient to determine the role of this variant in disease. Therefore, it has been classified as a Variant of Uncertain Significance.

GeneDx
Classification: Uncertain significance. Last evaluated: 2018-01-30. Review status: criteria provided, single submitter. Criteria: GeneDx Variant Classification (06012015). Collection method: clinical testing. Allele origin: germline. Affected: yes.
Comment: A variant of uncertain significance has been identified in the COL9A2 gene. The P474H variant has not been published as pathogenic or been reported as benign to our knowledge. This variant is not observed in large population cohorts (Lek et al., 2016; 1000 Genomes Consortium et al., 2015; Exome Variant Server). The P474H variant is a non-conservative amino acid substitution, which is likely to impact secondary protein structure as these residues differ in polarity, charge, size and/or other properties. However, this substitution occurs at a position that is not conserved across species. Finally, in silico analysis is inconsistent in its predictions as to whether or not the variant is damaging to the protein structure/function.

NM_001852.4(COL9A2):c.1421C>A (p.Pro474His)

Gene: COL9A2 (collagen type IX alpha 2 chain; minus strand). Cytogenetic location: 1p34.2.
Variant type: single nucleotide variant.
Coding change: c.1421C>A on transcript NM_001852.4 (MANE Select); coding-DNA position 1421, C replaced by A.
Protein change: p.Pro474His; replaces proline 474 with histidine.
Molecular consequence: missense variant.
Genome position (GRCh38, 1-based): chr1:40,303,657, G>T on the plus strand (C>A on the coding strand, the complement: COL9A2 is on the minus strand). VCF-style: chr1-40303657-G-T. GRCh37 (hg19) VCF-style: chr1-40769329-G-T.
Other names: short protein forms P474H.
Identifiers: ClinVar variation 432976 (VCV000432976.7), dbSNP rs764750434, ClinGen allele CA339878827.